The following is an entry in ClinVar:

NM_000548.5(TSC2):c.4082G>C (p.Arg1361Pro)

Gene: TSC2 (TSC complex subunit 2; plus strand). Cytogenetic location: 16p13.3.
Variant type: single nucleotide variant.
Coding change: c.4082G>C on transcript NM_000548.5 (MANE Select); coding-DNA position 4082, G replaced by C.
Protein change: p.Arg1361Pro; replaces arginine 1361 with proline.
Molecular consequence: missense variant.
Genome position (GRCh38, 1-based): chr16:2,084,304, G>C. VCF-style: chr16-2084304-G-C. GRCh37 (hg19) VCF-style: chr16-2134305-G-C.
Other names: c.3881G>C, p.Arg1294Pro (NM_001077183.3); c.4013G>C, p.Arg1338Pro (NM_001114382.3); c.3773G>C, p.Arg1258Pro (NM_001318827.2); c.3737G>C, p.Arg1246Pro (NM_001318829.2); c.3350G>C, p.Arg1117Pro (NM_001318831.2); c.3914G>C, p.Arg1305Pro (NM_001318832.2); c.3884G>C, p.Arg1295Pro (NM_001363528.2); c.3950G>C, p.Arg1317Pro (NM_001370404.1); and 1 more; short protein forms R1317P, R1258P, R1338P, R1246P, R1294P, R1305P, R1117P, R1295P.
Identifiers: ClinVar variation 824575 (VCV000824575.11), dbSNP rs762798984, ClinGen allele CA394299444.

ClinVar aggregate classification (germline): Uncertain significance. Review status: criteria provided, multiple submitters, no conflicts (2 of 4 stars). 3 submissions from 3 submitters: Uncertain significance (3). Last evaluated 2024-05-30.

Conditions:
Tuberous sclerosis 2 (TSC2). Identifiers: Orphanet 805, MedGen C1860707, MONDO:0013199, OMIM 613254.
Tuberous sclerosis syndrome (TSC). Also called: Tuberous Sclerosis Complex; Tuberous sclerosis. Identifiers: Orphanet 805, MedGen C0041341, MONDO:0001734.
Hereditary cancer-predisposing syndrome. Also called: Neoplastic Syndromes, Hereditary; Hereditary Cancer Syndrome; Hereditary neoplastic syndrome; Tumor predisposition. Identifiers: Orphanet 140162, MedGen C0027672, MeSH D009386, MONDO:0015356.

Submissions (3):

All of Us Research Program, National Institutes of Health
Classification: Uncertain significance for Tuberous sclerosis syndrome. Last evaluated: 2024-05-30. Review status: criteria provided, single submitter. Criteria: ACMG Guidelines, 2015. Collection method: clinical testing. Allele origin: germline. Inheritance: Autosomal dominant inheritance. Observed: 2 variant alleles, 2 heterozygotes.
Comment: This missense variant replaces arginine with proline at codon 1361 of the TSC2 protein. Computational prediction suggests that this variant may not impact protein structure and function (internally defined REVEL score threshold <= 0.5, PMID: 27666373). To our knowledge, functional studies have not been reported for this variant. This variant has not been reported in individuals affected with TSC2-related disorders in the literature. This variant has not been identified in the general population by the Genome Aggregation Database (gnomAD). The available evidence is insufficient to determine the role of this variant in disease conclusively. Therefore, this variant is classified as a Variant of Uncertain Significance.

This study involves interpretation of variants in research participants for the purpose of population health screening. Participant phenotype was not available at the time of variant classification. Additional details can be found in publication PMID: 35346344, PMCID: PMC8962531

Labcorp Genetics (formerly Invitae), Labcorp
Classification: Uncertain significance for Tuberous sclerosis 2. Last evaluated: 2022-11-08. Review status: criteria provided, single submitter. Criteria: Invitae Variant Classification Sherloc (09022015). Collection method: clinical testing. Allele origin: germline.
Comment: This variant has not been reported in the literature in individuals affected with TSC2-related conditions. ClinVar contains an entry for this variant (Variation ID: 824575). This sequence change replaces arginine, which is basic and polar, with proline, which is neutral and non-polar, at codon 1361 of the TSC2 protein (p.Arg1361Pro). This variant is not present in population databases (gnomAD no frequency). In summary, the available evidence is currently insufficient to determine the role of this variant in disease. Therefore, it has been classified as a Variant of Uncertain Significance. Advanced modeling of protein sequence and biophysical properties (such as structural, functional, and spatial information, amino acid conservation, physicochemical variation, residue mobility, and thermodynamic stability) performed at Invitae indicates that this missense variant is not expected to disrupt TSC2 protein function.

Ambry Genetics
Classification: Uncertain significance for Hereditary cancer-predisposing syndrome. Last evaluated: 2019-12-19. Review status: criteria provided, single submitter. Criteria: Ambry Variant Classification Scheme 2023. Collection method: clinical testing. Allele origin: germline.
Comment: The p.R1361P variant (also known as c.4082G>C), located in coding exon 33 of the TSC2 gene, results from a G to C substitution at nucleotide position 4082. The arginine at codon 1361 is replaced by proline, an amino acid with dissimilar properties. This amino acid position is not well conserved in available vertebrate species. In addition, the in silico prediction for this alteration is inconclusive. Since supporting evidence is limited at this time, the clinical significance of this alteration remains unclear.